The following is an entry in ClinVar:

ClinVar aggregate classification (germline): Conflicting classifications of pathogenicity. Review status: criteria provided, conflicting classifications (1 of 4 stars). 4 submissions from 4 submitters: Uncertain significance (1); Likely benign (2). 1 of the submissions does not count toward it. Last evaluated 2025-09-03.

Conditions:
Self-limited epilepsy with centrotemporal spikes. Also called: Rolandic epilepsy; Childhood epilepsy with centrotemporal spikes. Identifiers: Orphanet 1945, MedGen C0376532, MONDO:0007295.
Developmental and epileptic encephalopathy 94 (DEE94). Also called: CHD2-Related Neurodevelopmental Disorders; Epileptic encephalopathy, childhood-onset. Identifiers: Orphanet 1942, Orphanet 2382, MedGen C3809278, MONDO:0014150, OMIM 615369.

Allele frequency attached by ClinVar (database versions not stated): gnomAD 0.00006 and 0.00007; gnomAD exomes 0.00007 and 0.00002; ExAC 0.00002; TOPMed 0.00004.
gnomAD v4.1: 114 of 1,614,058 alleles (0.0071%); highest among the groups gnomAD compares: Non-Finnish European, 0.0089%; no homozygotes.

Submissions (4):

Labcorp Genetics (formerly Invitae), Labcorp
Classification: Likely benign for Developmental and epileptic encephalopathy 94. Last evaluated: 2025-09-03. Review status: criteria provided, single submitter. Criteria: Invitae Variant Classification Sherloc (09022015). Collection method: clinical testing. Allele origin: germline.

GeneDx
Classification: Likely benign. Last evaluated: 2018-01-05. Review status: criteria provided, single submitter. Criteria: GeneDx Variant Classification (06012015). Collection method: clinical testing. Allele origin: germline. Affected: yes.
Comment: This variant is considered likely benign or benign based on one or more of the following criteria: it is a conservative change, it occurs at a poorly conserved position in the protein, it is predicted to be benign by multiple in silico algorithms, and/or has population frequency not consistent with disease.

Center for Pediatric Genomic Medicine, Children's Mercy Hospital and Clinics
Classification: Uncertain significance. Last evaluated: 2017-02-09. Review status: criteria provided, single submitter. Criteria: ACMG Guidelines, 2015. Collection method: clinical testing. Allele origin: germline.
ClinVar note: Converted during submission from Uncertain Significance to Uncertain significance.

Bioinformatics Core, Luxembourg Center for Systems Biomedicine
Classification: Pathogenic for Self-limited epilepsy with centrotemporal spikes. Last evaluated: 2017-01-01. Review status: no assertion criteria provided. Collection method: case-control. Allele origin: germline. Affected: yes. Study: EUROEPINOMICS COGIE. Not counted in ClinVar's aggregate classification.

Literature cited by the submitters: PubMed 29358611 (cited by Bioinformatics Core, Luxembourg Center for Systems Biomedicine).

NM_001271.4(CHD2):c.4534C>T (p.Arg1512Trp)

Gene: CHD2 (chromodomain helicase DNA binding protein 2; plus strand). Cytogenetic location: 15q26.1.
Variant type: single nucleotide variant.
Coding change: c.4534C>T on transcript NM_001271.4 (MANE Select); coding-DNA position 4534, C replaced by T.
Protein change: p.Arg1512Trp; replaces arginine 1512 with tryptophan.
Molecular consequence: missense variant.
Genome position (GRCh38, 1-based): chr15:93,009,265, C>T. VCF-style: chr15-93009265-C-T. GRCh37 (hg19) VCF-style: chr15-93552495-C-T.
Other names: short protein forms R1512W.
Identifiers: ClinVar variation 376779 (VCV000376779.11), dbSNP rs755898320, ClinGen allele CA7748494.